The following is an entry in ClinVar:

ClinVar aggregate classification (germline): Uncertain significance. Review status: criteria provided, multiple submitters, no conflicts (2 of 4 stars). 4 submissions from 4 submitters: Uncertain significance (4). Last evaluated 2026-01-21.

Conditions:
Hereditary cancer-predisposing syndrome. Also called: Neoplastic Syndromes, Hereditary; Tumor predisposition; Hereditary neoplastic syndrome; Hereditary Cancer Syndrome. Identifiers: Orphanet 140162, MedGen C0027672, MeSH D009386, MONDO:0015356.

Allele frequency attached by ClinVar (database versions not stated): TOPMed 0.00002; gnomAD 0.00003.

Submissions (4):

Labcorp Genetics (formerly Invitae), Labcorp
Classification: Uncertain significance. Last evaluated: 2026-01-21. Review status: criteria provided, single submitter. Criteria: Invitae Variant Classification Sherloc (09022015). Collection method: clinical testing. Allele origin: germline.
Comment: This sequence change replaces arginine, which is basic and polar, with glutamine, which is neutral and polar, at codon 229 of the HOXB13 protein (p.Arg229Gln). This variant is not present in population databases (gnomAD no frequency). This variant has not been reported in the literature in individuals affected with HOXB13-related conditions. ClinVar contains an entry for this variant (Variation ID: 826676). Invitae Evidence Modeling of protein sequence and biophysical properties (such as structural, functional, and spatial information, amino acid conservation, physicochemical variation, residue mobility, and thermodynamic stability) indicates that this missense variant is not expected to disrupt HOXB13 protein function with a negative predictive value of 80%. In summary, the available evidence is currently insufficient to determine the role of this variant in disease. Therefore, it has been classified as a Variant of Uncertain Significance.

Ambry Genetics
Classification: Uncertain significance for Hereditary cancer-predisposing syndrome. Last evaluated: 2024-08-18. Review status: criteria provided, single submitter. Criteria: Ambry Variant Classification Scheme 2023. Collection method: clinical testing. Allele origin: germline.
Comment: The p.R229Q variant (also known as c.686G>A), located in coding exon 2 of the HOXB13 gene, results from a G to A substitution at nucleotide position 686. The arginine at codon 229 is replaced by glutamine, an amino acid with highly similar properties. This amino acid position is not well conserved in available vertebrate species. In addition, the in silico prediction for this alteration is inconclusive. Since supporting evidence is limited at this time, the clinical significance of this alteration remains unclear.

GeneDx
Classification: Uncertain significance. Last evaluated: 2023-08-08. Review status: criteria provided, single submitter. Criteria: GeneDx Variant Classification Process June 2021. Collection method: clinical testing. Allele origin: germline. Affected: yes.
Comment: Not observed at significant frequency in large population cohorts (gnomAD); In silico analysis supports that this missense variant does not alter protein structure/function; Has not been previously published as pathogenic or benign to our knowledge; This variant is associated with the following publications: (PMID: 8756292, 19389631)

Sema4
Classification: Uncertain significance for Hereditary cancer-predisposing syndrome. Last evaluated: 2021-05-18. Review status: criteria provided, single submitter. Criteria: Sema4 Curation Guidelines. Collection method: curation. Allele origin: germline.
Comment: The HOXB13 c.686G>A (p.R229Q) variant has not been reported in the literature to our knowledge. It was not observed in the Genome Aggregation Database (PMID: 32461654). The variant has been reported in ClinVar (Variation ID 826676). In silico tools suggest the impact of the variant on protein function is inconclusive, though these predictions have not been confirmed by functional studies. The evidence is insufficient to meet ACMG/AMP criteria for classifying the variant as benign or pathogenic. Thus, the clinical significance of this variant is currently uncertain.

NM_006361.6(HOXB13):c.686G>A (p.Arg229Gln)

Gene: HOXB13 (homeobox B13; minus strand). Cytogenetic location: 17q21.32.
Variant type: single nucleotide variant.
Coding change: c.686G>A on transcript NM_006361.6 (MANE Select); coding-DNA position 686, G replaced by A.
Protein change: p.Arg229Gln; replaces arginine 229 with glutamine.
Molecular consequence: missense variant.
Genome position (GRCh38, 1-based): chr17:48,726,959, C>T on the plus strand (G>A on the coding strand, the complement: HOXB13 is on the minus strand). VCF-style: chr17-48726959-C-T. GRCh37 (hg19) VCF-style: chr17-46804321-C-T.
Other names: short protein forms R229Q.
Identifiers: ClinVar variation 826676 (VCV000826676.18), dbSNP rs936554882, ClinGen allele CA291349137.